The following is an entry in ClinVar:

NM_022173.4(TIA1):c.691C>T (p.Arg231Cys)

Gene: TIA1 (TIA1 cytotoxic granule associated RNA binding protein; minus strand). Cytogenetic location: 2p13.3.
Variant type: single nucleotide variant.
Coding change: c.691C>T on transcript NM_022173.4 (MANE Select); coding-DNA position 691, C replaced by T.
Protein change: p.Arg231Cys; replaces arginine 231 with cysteine.
Molecular consequence: missense variant. On other transcripts: non-coding transcript variant (17).
Genome position (GRCh38, 1-based): chr2:70,216,281, G>A on the plus strand (C>T on the coding strand, the complement: TIA1 is on the minus strand). VCF-style: chr2-70216281-G-A. GRCh37 (hg19) VCF-style: chr2-70443413-G-A.
Other names: c.691C>T, p.Arg231Cys (NM_001351508.2, NM_001351516.2); c.664C>T, p.Arg222Cys (NM_001351509.2); c.658C>T, p.Arg220Cys (NM_001351510.2, NM_022037.4); c.580C>T, p.Arg194Cys (NM_001351511.1); c.553C>T, p.Arg185Cys (NM_001351512.1); c.547C>T, p.Arg183Cys (NM_001351513.1); c.463C>T, p.Arg155Cys (NM_001351514.2); c.388C>T, p.Arg130Cys (NM_001351515.2); and 1 more; short protein forms R183C, R155C, R231C, R91C, R185C, R194C, R220C, R222C.
Identifiers: ClinVar variation 3716194 (VCV003716194.2).

ClinVar aggregate classification (germline): Uncertain significance (1 of 4 stars; one submission).

Conditions:
Welander distal myopathy (WDM). Also called: Gower's muscular dystrophy; MUSCULAR DYSTROPHY, DISTAL, LATE-ONSET, AUTOSOMAL DOMINANT; Welander distal myopathy, Swedish type; Distal myopathy, Swedish type. Identifiers: Orphanet 603, MedGen C0221054, MONDO:0011466, OMIM 604454.

gnomAD v4.1: 9 of 1,591,170 alleles (0.00057%); highest among the groups gnomAD compares: Non-Finnish European, 0.0006%; no homozygotes.

Submission:

Labcorp Genetics (formerly Invitae), Labcorp
Classification: Uncertain significance for Welander distal myopathy. Last evaluated: 2024-03-12. Review status: criteria provided, single submitter. Criteria: Invitae Variant Classification Sherloc (09022015). Collection method: clinical testing. Allele origin: germline.
Comment: This sequence change replaces arginine, which is basic and polar, with cysteine, which is neutral and slightly polar, at codon 231 of the TIA1 protein (p.Arg231Cys). This variant is not present in population databases (gnomAD no frequency). This variant has not been reported in the literature in individuals affected with TIA1-related conditions. Advanced modeling of protein sequence and biophysical properties (such as structural, functional, and spatial information, amino acid conservation, physicochemical variation, residue mobility, and thermodynamic stability) performed at Invitae indicates that this missense variant is not expected to disrupt TIA1 protein function with a negative predictive value of 80%. In summary, the available evidence is currently insufficient to determine the role of this variant in disease. Therefore, it has been classified as a Variant of Uncertain Significance.